The following is an entry in ClinVar:

ClinVar aggregate classification (germline): Benign. Review status: criteria provided, multiple submitters, no conflicts (2 of 4 stars). 3 submissions from 3 submitters: Benign (3). Last evaluated 2024-01-24.

Allele frequency attached by ClinVar (database versions not stated): gnomAD exomes 0.14343; gnomAD 0.15302 and 0.15328; TOPMed 0.15965; 1000 Genomes Project 30x 0.17317; 1000 Genomes Project 0.17492.
gnomAD v4.1: 213,256 of 1,474,684 alleles (14%); highest among the groups gnomAD compares: Admixed American, 19%; 15,809 homozygotes.

Submissions (3):

Unidad de Genómica Garrahan, Hospital de Pediatría Garrahan
Classification: Benign. Last evaluated: 2024-01-24. Review status: criteria provided, single submitter. Criteria: ACMG Guidelines, 2015. Collection method: clinical testing. Allele origin: germline. Affected: no. Observed: 26 variant alleles.
Comment: This variant is classified as Benign based on local population frequency. This variant was detected in 30% of patients studied by a panel of primary immunodeficiencies. Number of patients: 26. Only high quality variants are reported.

GeneDx
Classification: Benign. Last evaluated: 2021-05-14. Review status: criteria provided, single submitter. Criteria: GeneDx Variant Classification Process June 2021. Collection method: clinical testing. Allele origin: germline. Affected: yes.

Breakthrough Genomics
Classification: Benign. Review status: criteria provided, single submitter. Criteria: ACMG Guidelines, 2015. Collection method: not provided. Allele origin: germline. Inheritance: Autosomal recessive inheritance. Affected: yes.

NM_006254.4(PRKCD):c.316-82C>A

Gene: PRKCD (protein kinase C delta; plus strand). Cytogenetic location: 3p21.1.
Variant type: single nucleotide variant.
Coding change: c.316-82C>A on transcript NM_006254.4 (MANE Select); 82 bases into the intron before coding-DNA position 316, C replaced by A.
Molecular consequence: intron variant.
Genome position (GRCh38, 1-based): chr3:53,181,125, C>A. VCF-style: chr3-53181125-C-A. GRCh37 (hg19) VCF-style: chr3-53215141-C-A.
Other names: c.316-82C>A (NM_001354680.2, NM_001354679.2, NM_212539.2 and 1 more transcripts); c.373-82C>A (NM_001354676.2); c.364-82C>A (NM_001354678.2).
Identifiers: ClinVar variation 1226497 (VCV001226497.6), dbSNP rs2242305, ClinGen allele CA74849167.
Genomic context (GRCh38, chr3:53,181,125, plus strand): 5'-CACTGGGCAGACAAGTGTCTGGCTAGGCCTTGGGGGGCTGCCTTGGCCTTGGGGGACCAG[C>A]CATGGGGGTGGGTTCTGAGTTTGGCCTGGCCCAGGCTGCCCTCACTGACCTTGTTCTCCC-3'